The following is an entry in ClinVar:

ClinVar aggregate classification (germline): Pathogenic (1 of 4 stars; one submission).

Conditions:
Arrhythmogenic right ventricular dysplasia 12. Also called: ARRHYTHMOGENIC RIGHT VENTRICULAR DYSPLASIA, FAMILIAL, 12. Identifiers: MedGen C1969081, MONDO:0012684, OMIM 611528.

Submission:

Victorian Clinical Genetics Services, Murdoch Childrens Research Institute
Classification: Pathogenic for Arrhythmogenic right ventricular dysplasia 12. Last evaluated: 2024-11-11. Review status: criteria provided, single submitter. Criteria: ACMG Guidelines, 2015. Collection method: clinical testing. Allele origin: germline.
Comment: This variant is classified as Pathogenic. Evidence in support of pathogenic classification: Variant is predicted to cause nonsense-mediated decay (NMD) and loss of protein (premature termination codon is located at least 54 nucleotides upstream of the final exon-exon junction); Variant is absent from gnomAD (v2, v3 and v4); This variant has limited previous evidence of pathogenicity in unrelated individual(s). This variant has been reported in two unrelated homozygous individuals with Naxos disease (PMID: 33303784); Other NMD-predicted variant(s) comparable to the one identified in this case have very strong previous evidence for pathogenicity (DECIPHER). Additional information: This variant is heterozygous; This gene is associated with both recessive and dominant disease. Arrhythmogenic right ventricular dysplasia 12 (MIM#611528) is associated with dominant inheritance, while Naxos disease (MIM#601214) is associated with recessive inheritance (OMIM); Loss of function is a known mechanism of disease in this gene and is associated with arrhythmogenic right ventricular dysplasia 12 (MIM#611528) and Naxos disease (MIM#601214); Inheritance information for this variant is not currently available in this individual.

Literature cited by the submitters: PubMed 33303784.

NM_002230.4(JUP):c.201del (p.Ser68fs)

Gene: JUP (junction plakoglobin; minus strand). Cytogenetic location: 17q21.2.
Variant type: Deletion.
Coding change: c.201del on transcript NM_002230.4 (MANE Select); coding-DNA position 201, one base deleted (C; older notation c.201delC).
Protein change: p.Ser68fs; shifts the reading frame from serine 68.
Molecular consequence: frameshift variant.
Genome position (GRCh38, 1-based): chr17:41,771,654, G deleted on the plus strand (C on the coding strand, the reverse complement: JUP is on the minus strand); the first of 6 consecutive G bases (chr17:41,771,654-41,771,659); deleting any one gives the same sequence. VCF-style (leftmost placement, unchanged base first): chr17-41771653-TG-T. GRCh37 (hg19) VCF-style: chr17-39927905-TG-T.
Other names: c.201del, p.Ser68fs (NM_001352773.2, NM_001352774.2, NM_001352775.2 and 3 more transcripts); short protein forms S68fs.
Identifiers: ClinVar variation 4531653 (VCV004531653.1).